The following is an entry in ClinVar:

ClinVar aggregate classification (germline): Likely benign. Review status: criteria provided, multiple submitters, no conflicts (2 of 4 stars). 3 submissions from 3 submitters: Likely benign (3). Last evaluated 2025-05-27.

Conditions:
Breast-ovarian cancer, familial, susceptibility to, 2 (BROVCA2). Also called: BRCA2 Hereditary Breast and Ovarian Cancer. Identifiers: Orphanet 145, MedGen C2675520, MONDO:0012933, OMIM 612555. Disease mechanism: loss of function.
Hereditary breast ovarian cancer syndrome. Also called: Hereditary breast and ovarian cancer syndrome; Hereditary breast and/or ovarian cancer syndrome; Hereditary breast and ovarian cancer; Hereditary breast and ovarian cancer syndrome (HBOC); Breast and ovarian cancer; BRCA1- and BRCA2-Associated Hereditary Breast and Ovarian Cancer. Identifiers: Orphanet 145, MedGen C0677776, MeSH D061325, MONDO:0003582. Disease mechanism: loss of function.

gnomAD v4.1: 4 of 1,589,276 alleles (0.00025%); highest among the groups gnomAD compares: Non-Finnish European, 0.00035%; no homozygotes.

Submissions (3):

Labcorp Genetics (formerly Invitae), Labcorp
Classification: Likely benign for Hereditary breast ovarian cancer syndrome. Last evaluated: 2025-05-27. Review status: criteria provided, single submitter. Criteria: Invitae Variant Classification Sherloc (09022015). Collection method: clinical testing. Allele origin: germline.

Center for Genomic Medicine, Rigshospitalet, Copenhagen University Hospital
Classification: Likely benign. Last evaluated: 2025-03-04. Review status: criteria provided, single submitter. Criteria: ACMG Guidelines, 2015. Collection method: clinical testing. Allele origin: germline.

All of Us Research Program, National Institutes of Health
Classification: Likely benign for Breast-ovarian cancer, familial, susceptibility to, 2. Last evaluated: 2023-04-10. Review status: criteria provided, single submitter. Criteria: ACMG Guidelines, 2015. Collection method: clinical testing. Allele origin: germline. Inheritance: Autosomal dominant inheritance. Observed: 1 variant allele, 1 heterozygote.
Comment: This study involves interpretation of variants in research participants for the purpose of population health screening. Participant phenotype was not available at the time of variant classification. Additional details can be found in publication PMID: 35346344, PMCID: PMC8962531

NM_000059.4(BRCA2):c.517-7C>T

Gene: BRCA2 (BRCA2 DNA repair associated; plus strand). Cytogenetic location: 13q13.1.
Variant type: single nucleotide variant.
Coding change: c.517-7C>T on transcript NM_000059.4 (MANE Select); 7 bases into the intron before coding-DNA position 517, C replaced by T.
Molecular consequence: intron variant.
Genome position (GRCh38, 1-based): chr13:32,326,492, C>T. VCF-style: chr13-32326492-C-T. GRCh37 (hg19) VCF-style: chr13-32900629-C-T.
Identifiers: ClinVar variation 1143861 (VCV001143861.12), dbSNP rs2137451844, ClinGen allele CA2499222045.